The following is an entry in ClinVar:

NM_152564.5(VPS13B):c.3432C>T (p.Pro1144=)

Gene: VPS13B (vacuolar protein sorting 13 homolog B; plus strand). Cytogenetic location: 8q22.2.
Variant type: single nucleotide variant.
Coding change: c.3432C>T on transcript NM_152564.5 (MANE Select); coding-DNA position 3432, C replaced by T.
Protein change: p.Pro1144=; no amino-acid change (proline 1144 retained).
Molecular consequence: synonymous variant.
Genome position (GRCh38, 1-based): chr8:99,442,622, C>T. VCF-style: chr8-99442622-C-T. GRCh37 (hg19) VCF-style: chr8-100454850-C-T.
Other names: c.3432C>T, p.Pro1144= (NM_017890.5); c.3432C>T (NM_152564.4).
Identifiers: ClinVar variation 1157472 (VCV001157472.11), dbSNP rs375994361, ClinGen allele CA4823243.

ClinVar aggregate classification (germline): Likely benign. Review status: criteria provided, single submitter (1 of 4 stars). 2 submissions from 2 submitters: Likely benign (1). 1 of the submissions does not count toward it. Last evaluated 2025-11-08.

Conditions:
Cohen syndrome (COH1). Also called: PEPPER SYNDROME; Cutis verticis gyrata, retinitis pigmentosa, and sensorineural deafness. Identifiers: Orphanet 193, MedGen C0265223, MONDO:0008999, OMIM 216550.
VPS13B-related disorder. Also called: VPS13B-related condition.

Allele frequency attached by ClinVar (database versions not stated): gnomAD exomes below 0.00001 and 0.00001; ExAC 0.00003; gnomAD 0.00004 and 0.00005; TOPMed 0.00006; ESP Exome Variant Server 0.00015; 1000 Genomes Project 30x 0.00016; 1000 Genomes Project 0.00020.
gnomAD v4.1: 13 of 1,613,802 alleles (0.00081%); highest among the groups gnomAD compares: African/African-American, 0.013%; no homozygotes.

Submissions (2):

Labcorp Genetics (formerly Invitae), Labcorp
Classification: Likely benign for Cohen syndrome. Last evaluated: 2025-11-08. Review status: criteria provided, single submitter. Criteria: Invitae Variant Classification Sherloc (09022015). Collection method: clinical testing. Allele origin: germline.

PreventionGenetics, part of Exact Sciences
Classification: Likely benign for VPS13B-related condition. Last evaluated: 2021-10-20. Review status: no assertion criteria provided. Collection method: clinical testing. Allele origin: germline. Not counted in ClinVar's aggregate classification.
Comment: This variant is classified as likely benign based on ACMG/AMP sequence variant interpretation guidelines (Richards et al. 2015 PMID: 25741868, with internal and published modifications).